The following is an entry in ClinVar:

NM_000059.4(BRCA2):c.10173C>G (p.Ile3391Met)

Gene: BRCA2 (BRCA2 DNA repair associated; plus strand). Cytogenetic location: 13q13.1.
Variant type: single nucleotide variant.
Coding change: c.10173C>G on transcript NM_000059.4 (MANE Select); coding-DNA position 10173, C replaced by G.
Protein change: p.Ile3391Met; replaces isoleucine 3391 with methionine.
Molecular consequence: missense variant.
Genome position (GRCh38, 1-based): chr13:32,398,686, C>G. VCF-style: chr13-32398686-C-G. GRCh37 (hg19) VCF-style: chr13-32972823-C-G.
Other names: short protein forms I3391M.
Identifiers: ClinVar variation 655546 (VCV000655546.8), dbSNP rs1593202427, ClinGen allele CA387768250.

ClinVar aggregate classification (germline): Uncertain significance. Review status: criteria provided, multiple submitters, no conflicts (2 of 4 stars). 2 submissions from 2 submitters: Uncertain significance (2). Last evaluated 2025-09-25.

Conditions:
Hereditary breast ovarian cancer syndrome. Also called: Hereditary breast and ovarian cancer; Hereditary breast and/or ovarian cancer syndrome; Breast and ovarian cancer; BRCA1- and BRCA2-Associated Hereditary Breast and Ovarian Cancer; Hereditary breast and ovarian cancer syndrome; Hereditary breast and ovarian cancer syndrome (HBOC). Identifiers: Orphanet 145, MedGen C0677776, MeSH D061325, MONDO:0003582. Disease mechanism: loss of function.

gnomAD v4.1: 2 of 1,614,066 alleles (0.00012%); highest among the groups gnomAD compares: African/African-American, 0.0027%; no homozygotes.

Submissions (2):

Labcorp Genetics (formerly Invitae), Labcorp
Classification: Uncertain significance for Hereditary breast ovarian cancer syndrome. Last evaluated: 2025-09-25. Review status: criteria provided, single submitter. Criteria: Invitae Variant Classification Sherloc (09022015). Collection method: clinical testing. Allele origin: germline.
Comment: This sequence change replaces isoleucine, which is neutral and non-polar, with methionine, which is neutral and non-polar, at codon 3391 of the BRCA2 protein (p.Ile3391Met). This variant is not present in population databases (gnomAD no frequency). This variant has not been reported in the literature in individuals affected with BRCA2-related conditions. ClinVar contains an entry for this variant (Variation ID: 655546). Invitae Evidence Modeling of protein sequence and biophysical properties (such as structural, functional, and spatial information, amino acid conservation, physicochemical variation, residue mobility, and thermodynamic stability) indicates that this missense variant is not expected to disrupt BRCA2 protein function with a negative predictive value of 95%. In summary, the available evidence is currently insufficient to determine the role of this variant in disease. Therefore, it has been classified as a Variant of Uncertain Significance.

Quest Diagnostics Nichols Institute San Juan Capistrano
Classification: Uncertain significance. Last evaluated: 2024-12-13. Review status: criteria provided, single submitter. Criteria: Quest Diagnostics criteria. Collection method: clinical testing. Allele origin: unknown.
Comment: The BRCA2 c.10173C>G (p.Ile3391Met) variant has not been reported in individuals with BRCA2-related conditions in the published literature. It also has not been reported in large, multi-ethnic general populations (Genome Aggregation Database). Analysis of this variant using bioinformatics tools for the prediction of the effect of amino acid changes on protein structure and function yielded predictions that this variant is benign. Based on the available information, we are unable to determine the clinical significance of this variant.

Literature cited by the submitters: PubMed 36922933 (cited by Quest Diagnostics Nichols Institute San Juan Capistrano).